The following is an entry in ClinVar:

NM_000155.4(GALT):c.143G>T (p.Arg48Leu)

Genes: GALT (galactose-1-phosphate uridylyltransferase; plus strand), LOC130001683 (ATAC-STARR-seq lymphoblastoid active region 28314; plus strand). Cytogenetic location: 9p13.3.
Variant type: single nucleotide variant.
Coding change: c.143G>T on transcript NM_000155.4 (MANE Select); coding-DNA position 143, G replaced by T.
Protein change: p.Arg48Leu; replaces arginine 48 with leucine.
Molecular consequence: missense variant. On other transcripts: 5 prime UTR variant (1).
Genome position (GRCh38, 1-based): chr9:34,647,149, G>T. VCF-style: chr9-34647149-G-T. GRCh37 (hg19) VCF-style: chr9-34647146-G-T.
Other names: c.-60G>T (NM_001258332.2); short protein forms R48L.
Identifiers: ClinVar variation 2581482 (VCV002581482.1), dbSNP rs773683290, ClinGen allele CA373278607.
Genomic context (GRCh38, chr9:34,647,149, plus strand): 5'-ACCATCAGCATATCCGCTACAACCCGCTGCAGGATGAGTGGGTGCTGGTGTCAGCTCACC[G>T]CATGAAGCGGCCCTGGCAGGGTCAAGTGGAGCCCCAGCTTCTGAAGACAGTGCCCCGCCA-3'
Protein context (NP_000146.2, residues 38-58): QDEWVLVSAH[Arg48Leu]MKRPWQGQVE

ClinVar aggregate classification (germline): Uncertain significance (1 of 4 stars; one submission).

Submission:

Women's Health and Genetics/Laboratory Corporation of America, LabCorp
Classification: Uncertain significance. Last evaluated: 2023-08-04. Review status: criteria provided, single submitter. Criteria: LabCorp Variant Classification Summary - May 2015. Collection method: clinical testing. Allele origin: germline.
Comment: Variant summary: GALT c.143G>T (p.Arg48Leu) results in a non-conservative amino acid change located in the Galactose-1-phosphate uridyl transferase, N-terminal (IPR005849) of the encoded protein sequence. Five of five in-silico tools predict a damaging effect of the variant on protein function. The variant was absent in 251408 control chromosomes. c.143G>T has been reported in the literature in individuals affected with Galactosemia (Ohlsson_2019). These data indicate that the variant may be associated with disease. To our knowledge, no experimental evidence demonstrating an impact on protein function has been reported. The following publication have been ascertained in the context of this evaluation (PMID: 31194895). No submitters have cited clinical-significance assessments for this variant to ClinVar after 2014. Based on the evidence outlined above, the variant was classified as VUS-possibly pathogenic.

Literature cited by the submitters: PubMed 31194895.